The following is an entry in ClinVar:

NM_007313.3(ABL1):c.20A>G (p.Lys7Arg)

Genes: ABL1 (ABL proto-oncogene 1, non-receptor tyrosine kinase; plus strand), LOC107980440 (ABL breakpoint recombination region; plus strand). Cytogenetic location: 9q34.12.
Variant type: single nucleotide variant.
Coding change: c.20A>G on transcript NM_007313.3; coding-DNA position 20, A replaced by G.
Protein change: p.Lys7Arg; replaces lysine 7 with arginine.
Molecular consequence: missense variant.
Genome position (GRCh38, 1-based): chr9:130,714,339, A>G. VCF-style: chr9-130714339-A-G. GRCh37 (hg19) VCF-style: chr9-133589726-A-G.
Other names: short protein forms K7R.
Identifiers: ClinVar variation 2189970 (VCV002189970.4), dbSNP rs375730000, ClinGen allele CA5285035.

ClinVar aggregate classification (germline): Conflicting classifications of pathogenicity. Review status: criteria provided, conflicting classifications (1 of 4 stars). 2 submissions from 2 submitters: Uncertain significance (1); Likely benign (1). Last evaluated 2025-05-19.

Conditions:
Inborn genetic diseases. Identifiers: MedGen C0950123, MeSH D030342.

Allele frequency attached by ClinVar (database versions not stated): TOPMed 0.00002; ExAC 0.00003; ESP Exome Variant Server 0.00008; gnomAD exomes 0.00001.
gnomAD v4.1: 16 of 1,610,968 alleles (0.00099%); highest among the groups gnomAD compares: Non-Finnish European, 0.0013%; no homozygotes.

Submissions (2):

Labcorp Genetics (formerly Invitae), Labcorp
Classification: Likely benign. Last evaluated: 2025-05-19. Review status: criteria provided, single submitter. Criteria: Invitae Variant Classification Sherloc (09022015). Collection method: clinical testing. Allele origin: germline.

Ambry Genetics
Classification: Uncertain significance for Inborn genetic diseases. Last evaluated: 2021-06-06. Review status: criteria provided, single submitter. Criteria: Ambry Variant Classification Scheme 2023. Collection method: clinical testing. Allele origin: germline.
Comment: The c.20A>G (p.K7R) alteration is located in exon 1 (coding exon 1) of the ABL1 gene. This alteration results from a A to G substitution at nucleotide position 20, causing the lysine (K) at amino acid position 7 to be replaced by an arginine (R). The p.K7R alteration is predicted to be tolerated by in silico analysis. Based on insufficient or conflicting evidence, the clinical significance of this alteration remains unclear.